The following is an entry in ClinVar:

ClinVar aggregate classification (germline): Uncertain significance (1 of 4 stars; one submission).

Conditions:
Aniridia 1 (AN1). Identifiers: Orphanet 250923, MedGen C0344542, MONDO:0024507, OMIM 106210.
Irido-corneo-trabecular dysgenesis (ASGD5). Also called: ANTERIOR SEGMENT DYSGENESIS 5. Identifiers: Orphanet 708, MedGen C0344559, MONDO:0011414, OMIM 604229, HP:0000659.

Submission:

Labcorp Genetics (formerly Invitae), Labcorp
Classification: Uncertain significance for Aniridia 1; Irido-corneo-trabecular dysgenesis. Last evaluated: 2017-11-02. Review status: criteria provided, single submitter. Criteria: Invitae Variant Classification Sherloc (09022015). Collection method: clinical testing. Allele origin: germline.
Comment: This sequence change falls in intron 5 of the PAX6 gene. It does not directly change the encoded amino acid sequence of the PAX6 protein, but it affects a nucleotide within the consensus splice site of the intron. This variant is not present in population databases (ExAC no frequency). This variant has not been reported in the literature in individuals with PAX6-related disease. Nucleotide substitutions within the consensus splice site are a relatively common cause of aberrant splicing (PMID: 17576681, 9536098). Algorithms developed to predict the effect of sequence changes on RNA splicing suggest that this variant may disrupt the consensus splice site, but this prediction has not been confirmed by published transcriptional studies. In summary, the available evidence is currently insufficient to determine the role of this variant in disease. Therefore, it has been classified as a Variant of Uncertain Significance.

Literature cited by the submitters: PubMed 17576681; PubMed 9536098.

NM_001368894.2(PAX6):c.141+3G>C

Gene: PAX6 (paired box 6; minus strand). Cytogenetic location: 11p13.
Variant type: single nucleotide variant.
Coding change: c.141+3G>C on transcript NM_001368894.2 (MANE Select); 3 bases into the intron after coding-DNA position 141, G replaced by C.
Molecular consequence: intron variant. On other transcripts: synonymous variant (3).
Genome position (GRCh38, 1-based): chr11:31,802,701, C>G on the plus strand (G>C on the coding strand, the complement: PAX6 is on the minus strand). VCF-style: chr11-31802701-C-G. GRCh37 (hg19) VCF-style: chr11-31824249-C-G.
Other names: c.144G>C, p.Val48= (NM_001368918.2, NM_001368919.2, NM_001368920.2); c.141+3G>C (NM_001127612.3, NM_001368921.2, NM_001368923.2 and 27 more transcripts); c.384+3G>C (NM_001368910.2); c.-267-925G>C (NM_001368909.2, NM_001368904.2); c.144+3G>C (NM_001368911.2); c.-641+3G>C (NM_001368905.2, NM_001310160.2); c.-268+3G>C (NM_001368906.2, NM_001368901.2, NM_001368899.2 and 1 more transcripts); c.-310+3G>C (NM_001368908.2, NM_001310161.3, NM_001368900.2 and 2 more transcripts); and 1 more.
Identifiers: ClinVar variation 460458 (VCV000460458.7), dbSNP rs369243018, ClinGen allele CA658658047.